The following is an entry in ClinVar:

ClinVar aggregate classification (germline): Benign/Likely benign. Review status: criteria provided, multiple submitters, no conflicts (2 of 4 stars). 4 submissions from 4 submitters: Benign (3); Likely benign (1). Last evaluated 2026-01-07.

Conditions:
YME1L1-related disorder. Also called: YME1L1-related condition.

Allele frequency attached by ClinVar (database versions not stated): gnomAD exomes 0.00135 and 0.00049; ExAC 0.00160; ESP Exome Variant Server 0.00400; 1000 Genomes Project 0.00479; gnomAD 0.00497 and 0.00536; 1000 Genomes Project 30x 0.00515; TOPMed 0.00633.
gnomAD v4.1: 1,516 of 1,610,582 alleles (0.094%); highest among the groups gnomAD compares: African/African-American, 1.7%; 10 homozygotes.

Submissions (4):

Labcorp Genetics (formerly Invitae), Labcorp
Classification: Benign. Last evaluated: 2026-01-07. Review status: criteria provided, single submitter. Criteria: Invitae Variant Classification Sherloc (09022015). Collection method: clinical testing. Allele origin: germline.

PreventionGenetics, part of Exact Sciences
Classification: Benign for YME1L1-related condition. Last evaluated: 2025-09-20. Review status: criteria provided, single submitter. Criteria: ACMG Guidelines, 2015. Collection method: clinical testing. Allele origin: germline.
Comment: This variant is classified as benign based on ACMG/AMP sequence variant interpretation guidelines (Richards et al. 2015 PMID: 25741868, with internal and published modifications).

Blueprint Genetics
Classification: Likely benign. Last evaluated: 2024-11-27. Review status: criteria provided, single submitter. Criteria: ACMG Guidelines, 2015. Collection method: clinical testing. Allele origin: germline.

Breakthrough Genomics
Classification: Benign. Review status: criteria provided, single submitter. Criteria: ACMG Guidelines, 2015. Collection method: not provided. Allele origin: germline. Inheritance: Autosomal recessive inheritance. Affected: yes.

NM_014263.4(YME1L1):c.437T>C (p.Ile146Thr)

Gene: YME1L1 (YME1 like 1 ATPase; minus strand). Cytogenetic location: 10p12.1.
Variant type: single nucleotide variant.
Coding change: c.437T>C on transcript NM_014263.4 (MANE Select); coding-DNA position 437, T replaced by C.
Protein change: p.Ile146Thr; replaces isoleucine 146 with threonine.
Molecular consequence: missense variant.
Genome position (GRCh38, 1-based): chr10:27,136,379, A>G on the plus strand (T>C on the coding strand, the complement: YME1L1 is on the minus strand). VCF-style: chr10-27136379-A-G. GRCh37 (hg19) VCF-style: chr10-27425308-A-G.
Other names: c.437T>C (NM_014263.3); c.338T>C, p.Ile113Thr (NM_001253866.2); c.608T>C, p.Ile203Thr (NM_139312.3); short protein forms I203T, I146T, I113T.
Identifiers: ClinVar variation 780853 (VCV000780853.13), dbSNP rs147243198, ClinGen allele CA5449593.